The following is an entry in ClinVar:

ClinVar aggregate classification (germline): Uncertain significance. Review status: criteria provided, multiple submitters, no conflicts (2 of 4 stars). 3 submissions from 3 submitters: Uncertain significance (3). Last evaluated 2025-09-15.

Conditions:
Cardiovascular phenotype. Identifiers: MedGen CN230736.
Dilated cardiomyopathy 1JJ (CMD1JJ). Identifiers: Orphanet 154, MedGen C3808935, MONDO:0014095, OMIM 615235.

Allele frequency attached by ClinVar (database versions not stated): gnomAD 0.00001; gnomAD exomes 0.00001 and 0.00005; TOPMed 0.00001; ExAC 0.00002; ESP Exome Variant Server 0.00008.

Submissions (3):

Labcorp Genetics (formerly Invitae), Labcorp
Classification: Uncertain significance for Dilated cardiomyopathy 1JJ. Last evaluated: 2025-09-15. Review status: criteria provided, single submitter. Criteria: Invitae Variant Classification Sherloc (09022015). Collection method: clinical testing. Allele origin: germline.
Comment: This sequence change falls in intron 35 of the LAMA4 gene. It does not directly change the encoded amino acid sequence of the LAMA4 protein. It affects a nucleotide within the consensus splice site. This variant is present in population databases (rs727505356, gnomAD 0.003%). This variant has not been reported in the literature in individuals affected with LAMA4-related conditions. ClinVar contains an entry for this variant (Variation ID: 180112). Variants that disrupt the consensus splice site are a relatively common cause of aberrant splicing (PMID: 17576681, 9536098). Algorithms developed to predict the effect of sequence changes on RNA splicing suggest that this variant may disrupt the consensus splice site. In summary, the available evidence is currently insufficient to determine the role of this variant in disease. Therefore, it has been classified as a Variant of Uncertain Significance.

Ambry Genetics
Classification: Uncertain significance for Cardiovascular phenotype. Last evaluated: 2023-10-02. Review status: criteria provided, single submitter. Criteria: Ambry Variant Classification Scheme 2023. Collection method: clinical testing. Allele origin: germline.
Comment: The c.4961-3delC intronic variant, located in intron 34 of the LAMA4 gene, results from a deletion of one nucleotide within intron 34 of the LAMA4 gene. This nucleotide position is well conserved in available vertebrate species. In silico splice site analysis predicts that this alteration will weaken the native splice acceptor site. Since supporting evidence is limited at this time, the clinical significance of this alteration remains unclear.

Laboratory for Molecular Medicine, Mass General Brigham Personalized Medicine
Classification: Uncertain significance. Last evaluated: 2014-11-28. Review status: criteria provided, single submitter. Criteria: LMM Criteria. Collection method: clinical testing. Allele origin: germline. Observed: 1 variant allele.
Comment: The c.4961-3delC variant in LAMA4 has not been previously reported in individual s with cardiomyopathy, but has been identified in 1/8254 of European American ch romosomes by the NHLBI Exome Sequencing Project (S/). This variant is located in the 3' splice region and computational tools sug gest a possible impact to splicing. However, this information is not predictive enough to determine pathogenicity. In summary, the clinical significance of the c.4961-3delC variant is uncertain.

Literature cited by the submitters: PubMed 17576681 (cited by Labcorp Genetics (formerly Invitae), Labcorp); PubMed 9536098 (cited by Labcorp Genetics (formerly Invitae), Labcorp).

NM_001105206.3(LAMA4):c.4982-3del

Gene: LAMA4 (laminin subunit alpha 4; minus strand). Cytogenetic location: 6q21.
Variant type: Deletion.
Coding change: c.4982-3del on transcript NM_001105206.3 (MANE Select); 3 bases into the intron before coding-DNA position 4982, one base deleted (C; older notation c.4982-3delC).
Molecular consequence: intron variant.
Genome position (GRCh38, 1-based): chr6:112,115,996, G deleted on the plus strand (C on the coding strand, the reverse complement: LAMA4 is on the minus strand). VCF-style (leftmost placement, unchanged base first): chr6-112115995-TG-T. GRCh37 (hg19) VCF-style: chr6-112437198-TG-T.
Other names: c.4961-3del (LRG_433t2, NM_002290.5, NM_001105207.3).
Identifiers: ClinVar variation 180112 (VCV000180112.11), dbSNP rs727505356, ClinGen allele CA185836.
Genomic context (GRCh38, chr6:112,115,995, plus strand): 5'-GCTTCTGGGACGGACTTCAAATGCAATTTCAAACTTCAATCCAATATTGAAAGATTCATC[TG>T]TGGAGAGAAACACTATAAACTCCCAAGAACAGCAAGATCATATTTGTAACTATGGTGTGA-3'